The following is an entry in ClinVar:

NM_001267550.2(TTN):c.63941C>T (p.Ser21314Leu)

Genes: TTN-AS1 (TTN antisense RNA 1; plus strand), TTN (titin; minus strand). Cytogenetic location: 2q31.2.
Variant type: single nucleotide variant.
Coding change: c.63941C>T on transcript NM_001267550.2 (MANE Select); coding-DNA position 63941, C replaced by T.
Protein change: p.Ser21314Leu; replaces serine 21314 with leucine.
Molecular consequence: missense variant.
Genome position (GRCh38, 1-based): chr2:178,587,270, G>A on the plus strand (C>T on the coding strand, the complement: TTN is on the minus strand). VCF-style: chr2-178587270-G-A. GRCh37 (hg19) VCF-style: chr2-179451997-G-A.
Other names: c.59018C>T, p.Ser19673Leu (NM_001256850.1); c.36746C>T, p.Ser12249Leu (NM_003319.4); c.56237C>T, p.Ser18746Leu (NM_133378.4); c.37121C>T, p.Ser12374Leu (NM_133432.3); c.37322C>T, p.Ser12441Leu (NM_133437.4); short protein forms S18746L, S21314L, S12441L, S12249L, S12374L, S19673L.
Identifiers: ClinVar variation 332812 (VCV000332812.12), dbSNP rs776468606, ClinGen allele CA1991995.

ClinVar aggregate classification (germline): Uncertain significance. Review status: criteria provided, multiple submitters, no conflicts (2 of 4 stars). 9 submissions from 5 submitters: Uncertain significance (9). Last evaluated 2025-03-14.

Conditions:
Dilated cardiomyopathy 1G (CMD1G). Identifiers: Orphanet 154, MedGen C1858763, MONDO:0011400, OMIM 604145.
Cardiovascular phenotype. Identifiers: MedGen CN230736.
Autosomal recessive limb-girdle muscular dystrophy type 2J (LGMDR10). Also called: Limb-girdle muscular dystrophy, type 2J; MUSCULAR DYSTROPHY, LIMB-GIRDLE, AUTOSOMAL RECESSIVE 10. Identifiers: Orphanet 140922, MedGen C1837342, MONDO:0012127, OMIM 608807.
Tibial muscular dystrophy (TMD). Also called: UDD MYOPATHY; Tibial muscular dystrophy, tardive; Udd Distal Myopathy – Tibial Muscular Dystrophy. Identifiers: Orphanet 609, MedGen C1838244, MONDO:0010870, OMIM 600334.
Early-onset myopathy with fatal cardiomyopathy (CMYO5). Also called: Salih Myopathy; CONGENITAL MYOPATHY 5 WITH CARDIOMYOPATHY. Identifiers: Orphanet 289377, MedGen C2673677, MONDO:0012714, OMIM 611705. Disease mechanism: loss of function.
TTN-related disorder. Also called: TTN-related disorders; TTN-related condition; TTN-related disease.
Myopathy, myofibrillar, 9, with early respiratory failure (MFM9). Also called: MYOPATHY, PROXIMAL, WITH EARLY RESPIRATORY MUSCLE INVOLVEMENT; Hereditary myopathy with early respiratory failure; Myopathy, distal, with early respiratory failure, autosomal dominant; EDSTROM MYOPATHY. Identifiers: Orphanet 178464, Orphanet 34521, MedGen C1863599, MONDO:0011362, OMIM 603689.

Allele frequency attached by ClinVar (database versions not stated): TOPMed below 0.00001; ExAC 0.00001; gnomAD 0.00001; gnomAD exomes 0.00001.
gnomAD v4.1: 10 of 1,612,986 alleles (0.00062%); highest among the groups gnomAD compares: African/African-American, 0.0027%; no homozygotes.

Submissions (9):

PreventionGenetics, part of Exact Sciences
Classification: Uncertain significance for TTN-related condition. Last evaluated: 2025-03-14. Review status: criteria provided, single submitter. Criteria: ACMG Guidelines, 2015. Collection method: clinical testing. Allele origin: germline.
Comment: The TTN c.63941C>T variant is predicted to result in the amino acid substitution p.Ser21314Leu. To our knowledge, this variant has not been reported in the literature. This variant is reported in 0.013% of alleles in individuals of African descent in gnomAD. At this time, the clinical significance of this variant is uncertain due to the absence of conclusive functional and genetic evidence.

Revvity Omics, Revvity
Classification: Uncertain significance. Last evaluated: 2024-03-13. Review status: criteria provided, single submitter. Criteria: ACMG Guidelines, 2015. Collection method: clinical testing. Allele origin: germline.

Ambry Genetics
Classification: Uncertain significance for Cardiovascular phenotype. Last evaluated: 2020-09-22. Review status: criteria provided, single submitter. Criteria: Ambry Variant Classification Scheme 2023. Collection method: clinical testing. Allele origin: germline.
Comment: The p.S12249L variant (also known as c.36746C>T), located in coding exon 134 of the TTN gene, results from a C to T substitution at nucleotide position 36746. The serine at codon 12249 is replaced by leucine, an amino acid with dissimilar properties. This amino acid position is not well conserved in available vertebrate species. In addition, this alteration is predicted to be tolerated by in silico analysis. Since supporting evidence is limited at this time, the clinical significance of this alteration remains unclear.

Illumina Laboratory Services, Illumina
Classification: Uncertain significance for Early-onset myopathy with fatal cardiomyopathy. Last evaluated: 2018-01-13. Review status: criteria provided, single submitter. Criteria: ICSL Variant Classification Criteria 13 December 2019. Collection method: clinical testing. Allele origin: germline.

Illumina Laboratory Services, Illumina
Classification: Uncertain significance for Autosomal recessive limb-girdle muscular dystrophy type 2J. Last evaluated: 2018-01-13. Review status: criteria provided, single submitter. Criteria: ICSL Variant Classification Criteria 13 December 2019. Collection method: clinical testing. Allele origin: germline.

Illumina Laboratory Services, Illumina
Classification: Uncertain significance for Tibial muscular dystrophy. Last evaluated: 2018-01-13. Review status: criteria provided, single submitter. Criteria: ICSL Variant Classification Criteria 13 December 2019. Collection method: clinical testing. Allele origin: germline.

Illumina Laboratory Services, Illumina
Classification: Uncertain significance for Dilated cardiomyopathy 1G. Last evaluated: 2018-01-13. Review status: criteria provided, single submitter. Criteria: ICSL Variant Classification Criteria 13 December 2019. Collection method: clinical testing. Allele origin: germline.

Illumina Laboratory Services, Illumina
Classification: Uncertain significance for Myopathy, myofibrillar, 9, with early respiratory failure. Last evaluated: 2018-01-13. Review status: criteria provided, single submitter. Criteria: ICSL Variant Classification Criteria 13 December 2019. Collection method: clinical testing. Allele origin: germline.

Labcorp Genetics (formerly Invitae), Labcorp
Classification: Uncertain significance for Dilated cardiomyopathy 1G; Autosomal recessive limb-girdle muscular dystrophy type 2J. Last evaluated: 2017-02-08. Review status: criteria provided, single submitter. Criteria: Invitae Variant Classification Sherloc (09022015). Collection method: clinical testing. Allele origin: germline.